The following is an entry in ClinVar:

NM_000140.5(FECH):c.586T>C (p.Cys196Arg)

Gene: FECH (ferrochelatase; minus strand). Cytogenetic location: 18q21.31.
Variant type: single nucleotide variant.
Coding change: c.586T>C on transcript NM_000140.5 (MANE Select); coding-DNA position 586, T replaced by C.
Protein change: p.Cys196Arg; replaces cysteine 196 with arginine.
Molecular consequence: missense variant.
Genome position (GRCh38, 1-based): chr18:57,566,459, A>G on the plus strand (T>C on the coding strand, the complement: FECH is on the minus strand). VCF-style: chr18-57566459-A-G. GRCh37 (hg19) VCF-style: chr18-55233691-A-G.
Other names: c.604T>C, p.Cys202Arg (NM_001012515.4); c.586T>C, p.Cys196Arg (NM_001371094.1, NM_001374778.1); c.370T>C, p.Cys124Arg (NM_001371095.1); short protein forms C196R, C124R, C202R.
Identifiers: ClinVar variation 2057493 (VCV002057493.4), dbSNP rs2511532611, ClinGen allele CA402536101.

ClinVar aggregate classification (germline): Uncertain significance (1 of 4 stars; one submission).

Submission:

Labcorp Genetics (formerly Invitae), Labcorp
Classification: Uncertain significance. Last evaluated: 2021-12-24. Review status: criteria provided, single submitter. Criteria: Invitae Variant Classification Sherloc (09022015). Collection method: clinical testing. Allele origin: germline.
Comment: In summary, the available evidence is currently insufficient to determine the role of this variant in disease. Therefore, it has been classified as a Variant of Uncertain Significance. This variant has not been reported in the literature in individuals affected with FECH-related conditions. Algorithms developed to predict the effect of missense changes on protein structure and function are either unavailable or do not agree on the potential impact of this missense change (SIFT: "Deleterious"; PolyPhen-2: "Probably Damaging"; Align-GVGD: "Class C0"). This variant is not present in population databases (gnomAD no frequency). This sequence change replaces cysteine, which is neutral and slightly polar, with arginine, which is basic and polar, at codon 196 of the FECH protein (p.Cys196Arg).